The following is an entry in ClinVar:

ClinVar aggregate classification (germline): Pathogenic. Review status: criteria provided, multiple submitters, no conflicts (2 of 4 stars). 2 submissions from 2 submitters: Pathogenic (2). Last evaluated 2026-09-23.

Conditions:
Monogenic hearing loss.

gnomAD v4.1: 8 of 1,614,092 alleles (0.0005%); highest among the groups gnomAD compares: East Asian, 0.0022%; no homozygotes.

Submissions (2):

Genetics Laboratory, Great Ormond Street Hospital NHS Foundation Trust, North Thames Genomic Laboratory Hub
Classification: Pathogenic for Monogenic hearing loss. Last evaluated: 2026-09-23. Review status: criteria provided, single submitter. Criteria: ACGS Best Practice Guidelines for Variant Classification in Rare Disease 2024 v1.2. Collection method: clinical testing. Allele origin: germline. Affected: yes.
Comment: PS4_supporting, PM2_supporting, PVS1_very-strong

Labcorp Genetics (formerly Invitae), Labcorp
Classification: Pathogenic. Last evaluated: 2025-04-14. Review status: criteria provided, single submitter. Criteria: Invitae Variant Classification Sherloc (09022015). Collection method: clinical testing. Allele origin: germline.
Comment: This sequence change creates a premature translational stop signal (p.Arg708*) in the MYO6 gene. It is expected to result in an absent or disrupted protein product. Loss-of-function variants in MYO6 are known to be pathogenic (PMID: 12687499, 18348273, 23767834, 25999546, 30582396). This variant is not present in population databases (gnomAD no frequency). This variant has not been reported in the literature in individuals affected with MYO6-related conditions. Algorithms developed to predict the effect of sequence changes on RNA splicing suggest that this variant may disrupt the consensus splice site. For these reasons, this variant has been classified as Pathogenic.

Literature cited by the submitters: PubMed 12687499 (cited by Labcorp Genetics (formerly Invitae), Labcorp); PubMed 18348273 (cited by Labcorp Genetics (formerly Invitae), Labcorp); PubMed 23767834 (cited by Labcorp Genetics (formerly Invitae), Labcorp); PubMed 25999546 (cited by Labcorp Genetics (formerly Invitae), Labcorp); PubMed 30582396 (cited by Labcorp Genetics (formerly Invitae), Labcorp).

NM_004999.4(MYO6):c.2122C>T (p.Arg708Ter)

Gene: MYO6 (myosin VI; plus strand). Cytogenetic location: 6q14.1.
Variant type: single nucleotide variant.
Coding change: c.2122C>T on transcript NM_004999.4 (MANE Select); coding-DNA position 2122, C replaced by T.
Protein change: p.Arg708Ter; replaces arginine 708 with a stop codon.
Molecular consequence: nonsense. On other transcripts: non-coding transcript variant (1).
Genome position (GRCh38, 1-based): chr6:75,879,864, C>T. VCF-style: chr6-75879864-C-T. GRCh37 (hg19) VCF-style: chr6-76589581-C-T.
Other names: c.2122C>T, p.Arg708Ter (NM_001300899.2, NM_001368136.1, NM_001368137.1 and 2 more transcripts); c.2107C>T, p.Arg703Ter (NM_001368138.1); short protein forms R708*, R703*.
Identifiers: ClinVar variation 4773266 (VCV004773266.2).